The following is an entry in ClinVar:

NM_002485.5(NBN):c.667A>C (p.Lys223Gln)

Gene: NBN (nibrin; minus strand). Cytogenetic location: 8q21.3.
Variant type: single nucleotide variant.
Coding change: c.667A>C on transcript NM_002485.5 (MANE Select); coding-DNA position 667, A replaced by C.
Protein change: p.Lys223Gln; replaces lysine 223 with glutamine.
Molecular consequence: missense variant.
Genome position (GRCh38, 1-based): chr8:89,971,208, T>G on the plus strand (A>C on the coding strand, the complement: NBN is on the minus strand). VCF-style: chr8-89971208-T-G. GRCh37 (hg19) VCF-style: chr8-90983436-T-G.
Other names: c.421A>C, p.Lys141Gln (NM_001024688.3); short protein forms K141Q, K223Q.
Identifiers: ClinVar variation 953743 (VCV000953743.9), dbSNP rs1811500671, ClinGen allele CA371659036.

ClinVar aggregate classification (germline): Uncertain significance (1 of 4 stars; one submission).

Conditions:
Microcephaly, normal intelligence and immunodeficiency (NBS). Also called: IMMUNODEFICIENCY, MICROCEPHALY, AND CHROMOSOMAL INSTABILITY; Ataxia telangiectasia variant V1; SEEMANOVA SYNDROME II; BERLIN BREAKAGE SYNDROME; Nijmegen breakage syndrome; Microcephaly with normal intelligence immunodeficiency and lymphoreticular malignancies. Identifiers: Orphanet 647, MedGen C0398791, MONDO:0009623, OMIM 251260.

Submission:

Labcorp Genetics (formerly Invitae), Labcorp
Classification: Uncertain significance for Microcephaly, normal intelligence and immunodeficiency. Last evaluated: 2019-07-17. Review status: criteria provided, single submitter. Criteria: Invitae Variant Classification Sherloc (09022015). Collection method: clinical testing. Allele origin: germline.
Comment: This sequence change replaces lysine with glutamine at codon 223 of the NBN protein (p.Lys223Gln). The lysine residue is moderately conserved and there is a small physicochemical difference between lysine and glutamine. This variant is not present in population databases (ExAC no frequency). This variant has not been reported in the literature in individuals with NBN-related conditions. Algorithms developed to predict the effect of missense changes on protein structure and function (SIFT, PolyPhen-2, Align-GVGD) all suggest that this variant is likely to be tolerated, but these predictions have not been confirmed by published functional studies and their clinical significance is uncertain. In summary, the available evidence is currently insufficient to determine the role of this variant in disease. Therefore, it has been classified as a Variant of Uncertain Significance.